The following is an entry in ClinVar:

ClinVar aggregate classification (germline): Uncertain significance (1 of 4 stars; one submission).

Submission:

Labcorp Genetics (formerly Invitae), Labcorp
Classification: Uncertain significance. Last evaluated: 2021-05-05. Review status: criteria provided, single submitter. Criteria: Invitae Variant Classification Sherloc (09022015). Collection method: clinical testing. Allele origin: germline.
Comment: This variant has not been reported in the literature in individuals with LOXL3-related conditions. This variant is not present in population databases (ExAC no frequency). This sequence change replaces glycine with cysteine at codon 311 of the LOXL3 protein (p.Gly311Cys). The glycine residue is highly conserved and there is a large physicochemical difference between glycine and cysteine. Algorithms developed to predict the effect of missense changes on protein structure and function (SIFT, PolyPhen-2, Align-GVGD) all suggest that this variant is likely to be disruptive, but these predictions have not been confirmed by published functional studies and their clinical significance is uncertain. In summary, the available evidence is currently insufficient to determine the role of this variant in disease. Therefore, it has been classified as a Variant of Uncertain Significance. Algorithms developed to predict the effect of sequence changes on RNA splicing suggest that this variant may create or strengthen a splice site, but this prediction has not been confirmed by published transcriptional studies.

NM_032603.5(LOXL3):c.931G>T (p.Gly311Cys)

Gene: LOXL3 (lysyl oxidase like 3; minus strand). Cytogenetic location: 2p13.1.
Variant type: single nucleotide variant.
Coding change: c.931G>T on transcript NM_032603.5 (MANE Select); coding-DNA position 931, G replaced by T.
Protein change: p.Gly311Cys; replaces glycine 311 with cysteine.
Molecular consequence: missense variant. On other transcripts: 5 prime UTR variant (1).
Genome position (GRCh38, 1-based): chr2:74,536,453, C>A on the plus strand (G>T on the coding strand, the complement: LOXL3 is on the minus strand). VCF-style: chr2-74536453-C-A. GRCh37 (hg19) VCF-style: chr2-74763580-C-A.
Other names: c.496G>T, p.Gly166Cys (NM_001289164.3); c.-153G>T (NM_001289165.2); short protein forms G166C, G311C.
Identifiers: ClinVar variation 1350967 (VCV001350967.8), dbSNP rs2104398977, ClinGen allele CA347390544.